The following is an entry in ClinVar:

NM_001330700.2(TOP2B):c.3599A>G (p.Glu1200Gly)

Gene: TOP2B (DNA topoisomerase II beta; minus strand). Cytogenetic location: 3p24.2.
Variant type: single nucleotide variant.
Coding change: c.3599A>G on transcript NM_001330700.2 (MANE Select); coding-DNA position 3599, A replaced by G.
Protein change: p.Glu1200Gly; replaces glutamic acid 1200 with glycine.
Molecular consequence: missense variant.
Genome position (GRCh38, 1-based): chr3:25,612,702, T>C on the plus strand (A>G on the coding strand, the complement: TOP2B is on the minus strand). VCF-style: chr3-25612702-T-C. GRCh37 (hg19) VCF-style: chr3-25654193-T-C.
Other names: c.3584A>G, p.Glu1195Gly (NM_001068.3); short protein forms E1195G, E1200G.
Identifiers: ClinVar variation 2737696 (VCV002737696.3), dbSNP rs1702406942, ClinGen allele CA351895414.

ClinVar aggregate classification (germline): Uncertain significance (1 of 4 stars; one submission).

Submission:

Labcorp Genetics (formerly Invitae), Labcorp
Classification: Uncertain significance. Last evaluated: 2023-07-18. Review status: criteria provided, single submitter. Criteria: Invitae Variant Classification Sherloc (09022015). Collection method: clinical testing. Allele origin: germline.
Comment: In summary, the available evidence is currently insufficient to determine the role of this variant in disease. Therefore, it has been classified as a Variant of Uncertain Significance. Algorithms developed to predict the effect of sequence changes on RNA splicing suggest that this variant may create or strengthen a splice site. An algorithm developed to predict the effect of missense changes on protein structure and function (PolyPhen-2) suggests that this variant is likely to be disruptive. This variant has not been reported in the literature in individuals affected with TOP2B-related conditions. This variant is not present in population databases (gnomAD no frequency). This sequence change replaces glutamic acid, which is acidic and polar, with glycine, which is neutral and non-polar, at codon 1195 of the TOP2B protein (p.Glu1195Gly).